The following is an entry in ClinVar:

ClinVar aggregate classification (germline): Benign/Likely benign. Review status: criteria provided, multiple submitters, no conflicts (2 of 4 stars). 3 submissions from 3 submitters: Benign (2); Likely benign (1). Last evaluated 2026-01-26.

Conditions:
Long QT syndrome (LQTS). Identifiers: MedGen C0023976, MeSH D008133, MONDO:0002442. Disease mechanism: loss of function. Inheritance: Various modes of inheritance.

Allele frequency attached by ClinVar (database versions not stated): gnomAD exomes 0.00030 and 0.00087; ExAC 0.00113; 1000 Genomes Project 30x 0.00219; 1000 Genomes Project 0.00260; TOPMed 0.00354; gnomAD 0.00376; ESP Exome Variant Server 0.00408.
gnomAD v4.1: 945 of 1,609,694 alleles (0.059%); highest among the groups gnomAD compares: African/African-American, 1.1%; 6 homozygotes.

Submissions (3):

Labcorp Genetics (formerly Invitae), Labcorp
Classification: Benign for Long QT syndrome. Last evaluated: 2026-01-26. Review status: criteria provided, single submitter. Criteria: Invitae Variant Classification Sherloc (09022015). Collection method: clinical testing. Allele origin: germline.

Blueprint Genetics
Classification: Likely benign. Last evaluated: 2024-11-08. Review status: criteria provided, single submitter. Criteria: ACMG Guidelines, 2015. Collection method: clinical testing. Allele origin: germline.

GeneDx
Classification: Benign. Last evaluated: 2016-08-12. Review status: criteria provided, single submitter. Criteria: GeneDx Variant Classification (06012015). Collection method: clinical testing. Allele origin: germline. Affected: yes.
Comment: This variant is considered likely benign or benign based on one or more of the following criteria: it is a conservative change, it occurs at a poorly conserved position in the protein, it is predicted to be benign by multiple in silico algorithms, and/or has population frequency not consistent with disease.

NM_000890.5(KCNJ5):c.938-11C>T

Gene: KCNJ5 (potassium inwardly rectifying channel subfamily J member 5; plus strand). Cytogenetic location: 11q24.3.
Variant type: single nucleotide variant.
Coding change: c.938-11C>T on transcript NM_000890.5 (MANE Select); 11 bases into the intron before coding-DNA position 938, C replaced by T.
Molecular consequence: intron variant.
Genome position (GRCh38, 1-based): chr11:128,916,398, C>T. VCF-style: chr11-128916398-C-T. GRCh37 (hg19) VCF-style: chr11-128786293-C-T.
Other names: c.938-11C>T (NM_001354169.2, LRG_333t1).
Identifiers: ClinVar variation 379743 (VCV000379743.10), dbSNP rs72542772, ClinGen allele CA6357974.